The following is an entry in ClinVar:

NM_001034853.2(RPGR):c.1443A>C (p.Glu481Asp)

Gene: RPGR (retinitis pigmentosa GTPase regulator; minus strand). Cytogenetic location: Xp11.4.
Variant type: single nucleotide variant.
Coding change: c.1443A>C on transcript NM_001034853.2 (MANE Select); coding-DNA position 1443, A replaced by C.
Protein change: p.Glu481Asp; replaces glutamic acid 481 with aspartic acid.
Molecular consequence: missense variant. On other transcripts: non-coding transcript variant (5).
Genome position (GRCh38, 1-based): chrX:38,291,456, T>G on the plus strand (A>C on the coding strand, the complement: RPGR is on the minus strand). VCF-style: chrX-38291456-T-G. GRCh37 (hg19) VCF-style: chrX-38150709-T-G.
Other names: c.1443A>C, p.Glu481Asp (NM_000328.3, NM_001367247.1); c.1440A>C, p.Glu480Asp (NM_001367245.1, NM_001367249.1, NM_001367250.1); c.1257A>C, p.Glu419Asp (NM_001367246.1, NM_001367251.1); c.1473A>C, p.Glu491Asp (NM_001367248.1); c.1443A>C (NM_000328.2); short protein forms E419D, E480D, E481D, E491D.
Identifiers: ClinVar variation 1802340 (VCV001802340.10), dbSNP rs144863059, ClinGen allele CA10385478.

ClinVar aggregate classification (germline): Likely benign. Review status: criteria provided, multiple submitters, no conflicts (2 of 4 stars). 4 submissions from 4 submitters: Likely benign (4). Last evaluated 2025-12-28.

Conditions:
RPGR-related disorder. Also called: RPGR-related condition.
Primary ciliary dyskinesia. Also called: Ciliary dyskinesia. Identifiers: Orphanet 244, MedGen C0008780, MONDO:0016575, HP:0012265.

Allele frequency attached by ClinVar (database versions not stated): gnomAD exomes 0.00002; ExAC 0.00003; ESP Exome Variant Server 0.00019; gnomAD 0.00021; TOPMed 0.00026.
gnomAD v4.1: 50 of 1,159,229 alleles (0.0043%); highest among the groups gnomAD compares: African/African-American, 0.085%; no homozygotes.

Submissions (4):

Labcorp Genetics (formerly Invitae), Labcorp
Classification: Likely benign for Primary ciliary dyskinesia. Last evaluated: 2025-12-28. Review status: criteria provided, single submitter. Criteria: Invitae Variant Classification Sherloc (09022015). Collection method: clinical testing. Allele origin: germline.

PreventionGenetics, part of Exact Sciences
Classification: Likely benign for RPGR-related condition. Last evaluated: 2024-12-18. Review status: criteria provided, single submitter. Criteria: ACMG Guidelines, 2015. Collection method: clinical testing. Allele origin: germline.
Comment: This variant is classified as likely benign based on ACMG/AMP sequence variant interpretation guidelines (Richards et al. 2015 PMID: 25741868, with internal and published modifications).

Ambry Genetics
Classification: Likely benign for Primary ciliary dyskinesia. Last evaluated: 2024-11-20. Review status: criteria provided, single submitter. Criteria: Ambry Variant Classification Scheme 2023. Collection method: clinical testing. Allele origin: germline.

Blueprint Genetics
Classification: Likely benign. Last evaluated: 2020-11-12. Review status: criteria provided, single submitter. Criteria: ACMG Guidelines, 2015. Collection method: clinical testing. Allele origin: germline.